The following is an entry in ClinVar:

NM_001242896.3(DEPDC5):c.2433C>A (p.Tyr811Ter)

Gene: DEPDC5 (DEP domain containing 5, GATOR1 subcomplex subunit; plus strand). Cytogenetic location: 22q12.3.
Variant type: single nucleotide variant.
Coding change: c.2433C>A on transcript NM_001242896.3 (MANE Select); coding-DNA position 2433, C replaced by A.
Protein change: p.Tyr811Ter; replaces tyrosine 811 with a stop codon.
Molecular consequence: nonsense. On other transcripts: non-coding transcript variant (5).
Genome position (GRCh38, 1-based): chr22:31,838,763, C>A. VCF-style: chr22-31838763-C-A. GRCh37 (hg19) VCF-style: chr22-32234749-C-A.
Other names: c.2406C>A, p.Tyr802Ter (NM_001136029.4, NM_001369903.1, NM_014662.6); c.2199C>A, p.Tyr733Ter (NM_001242897.2, NM_001363854.2, NM_001364319.2); c.2433C>A, p.Tyr811Ter (NM_001363852.2, NM_001364318.2, NM_001364320.2); c.2349C>A, p.Tyr783Ter (NM_001369901.1, NM_001369902.1); short protein forms Y802*, Y733*, Y783*, Y811*.
Identifiers: ClinVar variation 2711356 (VCV002711356.3), dbSNP rs2519945087, ClinGen allele CA411286700.
Genomic context (GRCh38, chr22:31,838,763, plus strand): 5'-GCAGATGACAGCCCAGCAGGTATTTGAAGAGTTTATTTGCCAACGTCTCATGCAGGGCTA[C>A]CAAATCATAGTGCAGCCCAAGACACAGAAACCCAATCCTGCTGTCCCGCCCCCGCTGAGC-3'

ClinVar aggregate classification (germline): Pathogenic (1 of 4 stars; one submission).

Conditions:
Familial focal epilepsy with variable foci (FPEVF). Identifiers: Orphanet 98820, MedGen C1858477, MONDO:0020310.

Submission:

Labcorp Genetics (formerly Invitae), Labcorp
Classification: Pathogenic for Familial focal epilepsy with variable foci. Last evaluated: 2023-06-11. Review status: criteria provided, single submitter. Criteria: Invitae Variant Classification Sherloc (09022015). Collection method: clinical testing. Allele origin: germline.
Comment: For these reasons, this variant has been classified as Pathogenic. This variant has not been reported in the literature in individuals affected with DEPDC5-related conditions. This variant is not present in population databases (gnomAD no frequency). This sequence change creates a premature translational stop signal (p.Tyr811*) in the DEPDC5 gene. It is expected to result in an absent or disrupted protein product. Loss-of-function variants in DEPDC5 are known to be pathogenic (PMID: 23542697, 23542701).

Literature cited by the submitters: PubMed 23542697; PubMed 23542701.